The following is an entry in ClinVar:

NM_000092.5(COL4A4):c.694-2A>T

Gene: COL4A4 (collagen type IV alpha 4 chain; minus strand). Cytogenetic location: 2q36.3.
Variant type: single nucleotide variant.
Coding change: c.694-2A>T on transcript NM_000092.5 (MANE Select); the canonical splice acceptor site of the intron before coding-DNA position 694, A replaced by T.
Molecular consequence: splice acceptor variant.
Genome position (GRCh38, 1-based): chr2:227,108,624, T>A on the plus strand (A>T on the coding strand, the complement: COL4A4 is on the minus strand). VCF-style: chr2-227108624-T-A. GRCh37 (hg19) VCF-style: chr2-227973340-T-A.
Identifiers: ClinVar variation 2734411 (VCV002734411.3), dbSNP rs2475774834, ClinGen allele CA350859389.

ClinVar aggregate classification (germline): Pathogenic (1 of 4 stars; one submission).

Submission:

Labcorp Genetics (formerly Invitae), Labcorp
Classification: Pathogenic. Last evaluated: 2024-01-24. Review status: criteria provided, single submitter. Criteria: Invitae Variant Classification Sherloc (09022015). Collection method: clinical testing. Allele origin: germline.
Comment: This sequence change affects an acceptor splice site in intron 11 of the COL4A4 gene. It is expected to disrupt RNA splicing. Variants that disrupt the donor or acceptor splice site typically lead to a loss of protein function (PMID: 16199547), and loss-of-function variants in COL4A4 are known to be pathogenic (PMID: 21196518, 24854265, 25307543). This variant is not present in population databases (gnomAD no frequency). Disruption of this splice site has been observed in individuals with Alport syndrome (30968591 24854265). Algorithms developed to predict the effect of sequence changes on RNA splicing suggest that this variant may disrupt the consensus splice site. For these reasons, this variant has been classified as Pathogenic.

Literature cited by the submitters: PubMed 16199547; PubMed 21196518; PubMed 24854265; PubMed 25307543.